The following is an entry in ClinVar:

NM_000393.5(COL5A2):c.4076C>A (p.Pro1359His)

Gene: COL5A2 (collagen type V alpha 2 chain; minus strand). Cytogenetic location: 2q32.2.
Variant type: single nucleotide variant.
Coding change: c.4076C>A on transcript NM_000393.5 (MANE Select); coding-DNA position 4076, C replaced by A.
Protein change: p.Pro1359His; replaces proline 1359 with histidine.
Molecular consequence: missense variant.
Genome position (GRCh38, 1-based): chr2:189,036,653, G>T on the plus strand (C>A on the coding strand, the complement: COL5A2 is on the minus strand). VCF-style: chr2-189036653-G-T. GRCh37 (hg19) VCF-style: chr2-189901379-G-T.
Other names: short protein forms P1359H.
Identifiers: ClinVar variation 1024189 (VCV001024189.11), dbSNP rs745580343, ClinGen allele CA62582764.

ClinVar aggregate classification (germline): Conflicting classifications of pathogenicity. Review status: criteria provided, conflicting classifications (1 of 4 stars). 2 submissions from 2 submitters: Uncertain significance (1); Likely benign (1). Last evaluated 2026-04-22.

Conditions:
Ehlers-Danlos syndrome, classic type, 1 (EDSCL1). Also called: EHLERS-DANLOS SYNDROME, GRAVIS TYPE; EHLERS-DANLOS SYNDROME, SEVERE CLASSIC TYPE; EDS I; Ehlers-Danlos Syndrome, Classic Type, COL5A1-Related; Ehlers-Danlos syndrome, type 1. Identifiers: MedGen C0268335, MONDO:0019567, OMIM 130000.

gnomAD v4.1: 1 of 1,613,696 alleles (0.000062%); highest among the groups gnomAD compares: Non-Finnish European, 0.000085%; no homozygotes.

Submissions (2):

Women's Health and Genetics/Laboratory Corporation of America, LabCorp
Classification: Uncertain significance. Last evaluated: 2026-04-22. Review status: criteria provided, single submitter. Criteria: LabCorp Variant Classification Summary - May 2015. Collection method: clinical testing. Allele origin: germline.
Comment: Variant summary: COL5A2 c.4076C>A (p.Pro1359His) results in a non-conservative amino acid change in the encoded protein sequence. Algorithms developed to predict the effect of missense changes on protein structure and function are either unavailable or do not agree on the potential impact of this missense change. The variant allele was found at a frequency of 4e-06 in 251106 control chromosomes. The available data on variant occurrences in the general population are insufficient to allow any conclusion about variant significance. To our knowledge, no occurrence of c.4076C>A in individuals affected with COL5A2-related conditions and no experimental evidence demonstrating its impact on protein function have been reported. ClinVar contains an entry for this variant (Variation ID: 1024189). Based on the evidence outlined above, the variant was classified as uncertain significance.

Labcorp Genetics (formerly Invitae), Labcorp
Classification: Likely benign for Ehlers-Danlos syndrome, classic type, 1. Last evaluated: 2025-04-01. Review status: criteria provided, single submitter. Criteria: Invitae Variant Classification Sherloc (09022015). Collection method: clinical testing. Allele origin: germline.